The following is an entry in ClinVar:

ClinVar aggregate classification (germline): Uncertain significance (1 of 4 stars; one submission).

Conditions:
Ehlers-Danlos syndrome, type 4 (EDSVASC). Also called: Ehlers-Danlos syndrome vascular type; Ehlers Danlos syndrome, ecchymotic type; Ehlers Danlos syndrome, arterial type; Ehlers Danlos syndrome, Sack-Barabas type; Ehlers-Danlos Syndrome Type IV. Identifiers: Orphanet 286, MedGen C0268338, MONDO:0017314, OMIM 130050.

Submission:

Labcorp Genetics (formerly Invitae), Labcorp
Classification: Uncertain significance for Ehlers-Danlos syndrome, type 4. Last evaluated: 2022-07-19. Review status: criteria provided, single submitter. Criteria: Invitae Variant Classification Sherloc (09022015). Collection method: clinical testing. Allele origin: germline.
Comment: This variant is not present in population databases (gnomAD no frequency). In summary, the available evidence is currently insufficient to determine the role of this variant in disease. Therefore, it has been classified as a Variant of Uncertain Significance. Advanced modeling of protein sequence and biophysical properties (such as structural, functional, and spatial information, amino acid conservation, physicochemical variation, residue mobility, and thermodynamic stability) performed at Invitae indicates that this missense variant is not expected to disrupt COL3A1 protein function. This variant has not been reported in the literature in individuals affected with COL3A1-related conditions. This sequence change replaces proline, which is neutral and non-polar, with leucine, which is neutral and non-polar, at codon 622 of the COL3A1 protein (p.Pro622Leu).

NM_000090.4(COL3A1):c.1865C>T (p.Pro622Leu)

Gene: COL3A1 (collagen type III alpha 1 chain; plus strand). Cytogenetic location: 2q32.2.
Variant type: single nucleotide variant.
Coding change: c.1865C>T on transcript NM_000090.4 (MANE Select); coding-DNA position 1865, C replaced by T.
Protein change: p.Pro622Leu; replaces proline 622 with leucine.
Molecular consequence: missense variant.
Genome position (GRCh38, 1-based): chr2:188,997,385, C>T. VCF-style: chr2-188997385-C-T. GRCh37 (hg19) VCF-style: chr2-189862111-C-T.
Other names: short protein forms P622L.
Identifiers: ClinVar variation 2044010 (VCV002044010.4), dbSNP rs2469138311, ClinGen allele CA349853568.